The following is an entry in ClinVar:

NM_001453.3(FOXC1):c.173del (p.Gly58fs)

Gene: FOXC1 (forkhead box C1; plus strand). Cytogenetic location: 6p25.3.
Variant type: Deletion.
Coding change: c.173del on transcript NM_001453.3 (MANE Select); coding-DNA position 173, one base deleted (G; older notation c.173delG).
Protein change: p.Gly58fs; shifts the reading frame from glycine 58.
Molecular consequence: frameshift variant.
Genome position (GRCh38, 1-based): chr6:1,610,618, G deleted; the last of 3 consecutive G bases (chr6:1,610,616-1,610,618); deleting any one gives the same sequence. VCF-style (leftmost placement, unchanged base first): chr6-1610615-CG-C. GRCh37 (hg19) VCF-style: chr6-1610850-CG-C.
Other names: short protein forms G58fs.
Identifiers: ClinVar variation 2018387 (VCV002018387.4), dbSNP rs2480501865, ClinGen allele CA2580074186.
Genomic context (GRCh38, chr6:1,610,615, plus strand): 5'-ACACCGCCATGCCGGCCCCCATGAGCGTGTACTCGCACCCTGCGCACGCCGAGCAGTACC[CG>C]GGCGGCATGGCCCGCGCCTACGGGCCCTACACGCCGCAGCCGCAGCCCAAGGACATGGTG-3'

ClinVar aggregate classification (germline): Pathogenic (1 of 4 stars; one submission).

Conditions:
Axenfeld-Rieger syndrome type 3 (RIEG3). Also called: AXENFELD-RIEGER ANOMALY WITH CARDIAC DEFECTS AND/OR SENSORINEURAL HEARING LOSS. Identifiers: Orphanet 782, MedGen C2678503, MONDO:0011233, OMIM 602482.

Submission:

Labcorp Genetics (formerly Invitae), Labcorp
Classification: Pathogenic for Axenfeld-Rieger syndrome type 3. Last evaluated: 2022-10-05. Review status: criteria provided, single submitter. Criteria: Invitae Variant Classification Sherloc (09022015). Collection method: clinical testing. Allele origin: germline.
Comment: This sequence change creates a premature translational stop signal (p.Gly58Alafs*20) in the FOXC1 gene. While this is not anticipated to result in nonsense mediated decay, it is expected to disrupt the last 496 amino acid(s) of the FOXC1 protein. This variant is not present in population databases (gnomAD no frequency). This variant has not been reported in the literature in individuals affected with FOXC1-related conditions. This variant disrupts a region of the FOXC1 protein in which other variant(s) (p.Gln467*) have been determined to be pathogenic (PMID: 32499604; Invitae). This suggests that this is a clinically significant region of the protein, and that variants that disrupt it are likely to be disease-causing. For these reasons, this variant has been classified as Pathogenic.

Literature cited by the submitters: PubMed 32499604.